The following is an entry in ClinVar:

ClinVar aggregate classification (germline): Benign (0 of 4 stars; one submission).

Conditions:
TOPBP1-related disorder. Also called: TOPBP1-related condition.

Allele frequency attached by ClinVar (database versions not stated): TOPMed 0.00149; ExAC 0.00274; 1000 Genomes Project 30x 0.00531; 1000 Genomes Project 0.00639.
gnomAD v4.1: 1,927 of 1,613,214 alleles (0.12%); highest among the groups gnomAD compares: East Asian, 3.8%; 40 homozygotes.

Submission:

PreventionGenetics, part of Exact Sciences
Classification: Benign for TOPBP1-related condition. Last evaluated: 2019-02-28. Review status: no assertion criteria provided. Collection method: clinical testing. Allele origin: germline.
Comment: This variant is classified as benign based on ACMG/AMP sequence variant interpretation guidelines (Richards et al. 2015 PMID: 25741868, with internal and published modifications).

NM_007027.4(TOPBP1):c.3007G>A (p.Ala1003Thr)

Gene: TOPBP1 (DNA topoisomerase II binding protein 1; minus strand). Cytogenetic location: 3q22.1.
Variant type: single nucleotide variant.
Coding change: c.3007G>A on transcript NM_007027.4 (MANE Select); coding-DNA position 3007, G replaced by A.
Protein change: p.Ala1003Thr; replaces alanine 1003 with threonine.
Molecular consequence: missense variant.
Genome position (GRCh38, 1-based): chr3:133,623,379, C>T on the plus strand (G>A on the coding strand, the complement: TOPBP1 is on the minus strand). VCF-style: chr3-133623379-C-T. GRCh37 (hg19) VCF-style: chr3-133342223-C-T.
Other names: c.2992G>A, p.Ala998Thr (NM_001363889.2); short protein forms A1003T, A998T.
Identifiers: ClinVar variation 3044965 (VCV003044965.2), dbSNP rs79533362, ClinGen allele CA2624105.
Genomic context (GRCh38, chr3:133,623,379, plus strand): 5'-CCTTTGTTGAAGACACAGCTGAGAGTAGTCGACTATTACAGAGCCGGCCATCTTGCACTG[C>T]GCTGATATCCAAGCTCATTTTGGGATTATAAGTATGTGGATAAAGAGATTCAGGAAGATG-3'
Protein context (NP_008958.2, residues 993-1013): YNPKMSLDIS[Ala1003Thr]VQDGRLCNSR